The following is an entry in ClinVar:

ClinVar aggregate classification (germline): Uncertain significance. Review status: criteria provided, single submitter (1 of 4 stars). 2 submissions from 2 submitters: Uncertain significance (1). 1 of the submissions does not count toward it. Last evaluated 2026-01-04.

Conditions:
BGN-related disorder. Also called: BGN-related condition.

Allele frequency attached by ClinVar (database versions not stated): gnomAD exomes 0.00001; gnomAD 0.00007 and 0.00009; TOPMed 0.00036.
gnomAD v4.1: 25 of 1,208,340 alleles (0.0021%); highest among the groups gnomAD compares: Admixed American, 0.031%; no homozygotes.

Submissions (2):

Labcorp Genetics (formerly Invitae), Labcorp
Classification: Uncertain significance. Last evaluated: 2026-01-04. Review status: criteria provided, single submitter. Criteria: Invitae Variant Classification Sherloc (09022015). Collection method: clinical testing. Allele origin: germline.
Comment: This sequence change falls in intron 5 of the BGN gene. It does not directly change the encoded amino acid sequence of the BGN protein. It affects a nucleotide within the consensus splice site. This variant is present in population databases (rs113471463, gnomAD no frequency). This variant has not been reported in the literature in individuals affected with BGN-related conditions. ClinVar contains an entry for this variant (Variation ID: 1052509). Variants that disrupt the consensus splice site are a relatively common cause of aberrant splicing (PMID: 17576681, 9536098). Algorithms developed to predict the effect of sequence changes on RNA splicing suggest that this variant is not likely to affect RNA splicing. In summary, the available evidence is currently insufficient to determine the role of this variant in disease. Therefore, it has been classified as a Variant of Uncertain Significance.

PreventionGenetics, part of Exact Sciences
Classification: Likely benign for BGN-related condition. Last evaluated: 2023-01-31. Review status: no assertion criteria provided. Collection method: clinical testing. Allele origin: germline. Not counted in ClinVar's aggregate classification.
Comment: This variant is classified as likely benign based on ACMG/AMP sequence variant interpretation guidelines (Richards et al. 2015 PMID: 25741868, with internal and published modifications).

Literature cited by the submitters: PubMed 17576681 (cited by Labcorp Genetics (formerly Invitae), Labcorp); PubMed 9536098 (cited by Labcorp Genetics (formerly Invitae), Labcorp).

NM_001711.6(BGN):c.677-3C>A

Gene: BGN (biglycan; plus strand). Cytogenetic location: Xq28.
Variant type: single nucleotide variant.
Coding change: c.677-3C>A on transcript NM_001711.6 (MANE Select); 3 bases into the intron before coding-DNA position 677, C replaced by A.
Molecular consequence: intron variant.
Genome position (GRCh38, 1-based): chrX:153,506,827, C>A. VCF-style: chrX-153506827-C-A. GRCh37 (hg19) VCF-style: chrX-152772285-C-A.
Other names: c.677-3C>A (NM_001711.5).
Identifiers: ClinVar variation 1052509 (VCV001052509.9), dbSNP rs113471463, ClinGen allele CA337214666.